The following is an entry in ClinVar:

NM_001276270.2(MBD4):c.1598A>G (p.Lys533Arg)

Gene: MBD4 (methyl-CpG binding domain 4, DNA glycosylase; minus strand). Cytogenetic location: 3q21.3.
Variant type: single nucleotide variant.
Coding change: c.1598A>G on transcript NM_001276270.2 (MANE Select); coding-DNA position 1598, A replaced by G.
Protein change: p.Lys533Arg; replaces lysine 533 with arginine.
Molecular consequence: missense variant. On other transcripts: intron variant (1).
Genome position (GRCh38, 1-based): chr3:129,432,552, T>C on the plus strand (A>G on the coding strand, the complement: MBD4 is on the minus strand). VCF-style: chr3-129432552-T-C. GRCh37 (hg19) VCF-style: chr3-129151395-T-C.
Other names: c.1616A>G, p.Lys539Arg (NM_001276271.2, NM_003925.3); c.662A>G, p.Lys221Arg (NM_001276273.2); c.1612+4A>G (NM_001276272.2); short protein forms K533R, K539R, K221R.
Identifiers: ClinVar variation 4724698 (VCV004724698.1).

ClinVar aggregate classification (germline): Uncertain significance (1 of 4 stars; one submission).

Submission:

Labcorp Genetics (formerly Invitae), Labcorp
Classification: Uncertain significance. Last evaluated: 2025-08-03. Review status: criteria provided, single submitter. Criteria: Invitae Variant Classification Sherloc (09022015). Collection method: clinical testing. Allele origin: germline.
Comment: This sequence change replaces lysine, which is basic and polar, with arginine, which is basic and polar, at codon 539 of the MBD4 protein (p.Lys539Arg). This variant is not present in population databases (gnomAD no frequency). This variant has not been reported in the literature in individuals affected with MBD4-related conditions. An algorithm developed to predict the effect of missense changes on protein structure and function (PolyPhen-2) suggests that this variant is likely to be disruptive. In summary, the available evidence is currently insufficient to determine the role of this variant in disease. Therefore, it has been classified as a Variant of Uncertain Significance.